The following is an entry in ClinVar:

NM_001134673.4(NFIA):c.443_444dup (p.Arg149fs)

Gene: NFIA (nuclear factor I A; plus strand). Cytogenetic location: 1p31.3.
Variant type: Duplication.
Coding change: c.443_444dup on transcript NM_001134673.4 (MANE Select); coding-DNA positions 443 to 444, 2 bases duplicated (AG; older notation c.443_444dupAG).
Protein change: p.Arg149fs; shifts the reading frame from arginine 149.
Molecular consequence: frameshift variant.
Genome position (GRCh38, 1-based): chr1:61,088,564-61,088,565, AG duplicated; duplicating any 2 consecutive bases within chr1:61,088,563-61,088,565 gives the same sequence; the c. name uses the placement nearest the transcript's 3' end. VCF-style (leftmost placement, unchanged base first): chr1-61088562-C-CGA. GRCh37 (hg19) VCF-style: chr1-61554234-C-CGA.
Other names: c.419_420dup, p.Arg141fs (NM_001145511.2); c.578_579dup, p.Arg194fs (NM_001145512.2); c.443_444dup, p.Arg149fs (NM_005595.5); short protein forms R141fs, R149fs, R194fs.
Identifiers: ClinVar variation 3382763 (VCV003382763.2).

ClinVar aggregate classification (germline): Likely pathogenic (1 of 4 stars; one submission).

Conditions:
Brain malformations with or without urinary tract defects. Also called: Brain malformations and urinary tract defects. Identifiers: MedGen C4478940, MONDO:0100478, OMIM 613735.

Submission:

Juno Genomics, Hangzhou Juno Genomics, Inc
Classification: Likely pathogenic for Brain malformations with or without urinary tract defects. Review status: criteria provided, single submitter. Criteria: ACMG Guidelines, 2015. Collection method: clinical testing. Allele origin: germline. Affected: yes.
Comment: Absent from controls (or at extremely low frequency if recessive) in Genome Aggregation Database, Exome Sequencing Project, 1000 Genomes Project, or Exome Aggregation Consortium.;Null variant in a gene where loss of function (LOF) is a known mechanism of disease.